The following is an entry in ClinVar:

NM_006312.6(NCOR2):c.462G>A (p.Pro154=)

Gene: NCOR2 (nuclear receptor corepressor 2; minus strand). Cytogenetic location: 12q24.31.
Variant type: single nucleotide variant.
Coding change: c.462G>A on transcript NM_006312.6 (MANE Select); coding-DNA position 462, G replaced by A.
Protein change: p.Pro154=; no amino-acid change (proline 154 retained).
Molecular consequence: synonymous variant.
Genome position (GRCh38, 1-based): chr12:124,473,081, C>T on the plus strand (G>A on the coding strand, the complement: NCOR2 is on the minus strand). VCF-style: chr12-124473081-C-T. GRCh37 (hg19) VCF-style: chr12-124957627-C-T.
Other names: c.462G>A, p.Pro154= (NM_001077261.4, NM_001206654.2).
Identifiers: ClinVar variation 1286492 (VCV001286492.4), dbSNP rs10846679, ClinGen allele CA6869901.

ClinVar aggregate classification (germline): Benign. Review status: criteria provided, multiple submitters, no conflicts (2 of 4 stars). 3 submissions from 3 submitters: Benign (2). 1 of the submissions does not count toward it. Last evaluated 2020-04-20.

Conditions:
NCOR2-related disorder. Also called: NCOR2-related condition.

Allele frequency attached by ClinVar (database versions not stated): gnomAD 0.09504 and 0.10030; TOPMed 0.09672; ESP Exome Variant Server 0.09773; 1000 Genomes Project 30x 0.11540; 1000 Genomes Project 0.11861; ExAC 0.12867; gnomAD exomes 0.13186 and 0.13314.
gnomAD v4.1: 207,752 of 1,613,712 alleles (13%); highest among the groups gnomAD compares: South Asian, 19%; 14,514 homozygotes.

Submissions (3):

GeneDx
Classification: Benign. Last evaluated: 2020-04-20. Review status: criteria provided, single submitter. Criteria: GeneDx Variant Classification Process June 2021. Collection method: clinical testing. Allele origin: germline. Affected: yes.

Breakthrough Genomics
Classification: Benign. Review status: criteria provided, single submitter. Criteria: ACMG Guidelines, 2015. Collection method: not provided. Allele origin: germline. Inheritance: Unknown mechanism. Affected: yes.

PreventionGenetics, part of Exact Sciences
Classification: Benign for NCOR2-related condition. Last evaluated: 2019-10-21. Review status: no assertion criteria provided. Collection method: clinical testing. Allele origin: germline. Not counted in ClinVar's aggregate classification.
Comment: This variant is classified as benign based on ACMG/AMP sequence variant interpretation guidelines (Richards et al. 2015 PMID: 25741868, with internal and published modifications).